The following is an entry in ClinVar:

NM_130384.3(ATRIP):c.61G>A (p.Gly21Ser)

Genes: ATRIP (ATR interacting protein; plus strand), ATRIP-TREX1 (ATRIP-TREX1 readthrough; plus strand), LOC129936703 (ATAC-STARR-seq lymphoblastoid silent region 14331; plus strand). Cytogenetic location: 3p21.31.
Variant type: single nucleotide variant.
Coding change: c.61G>A on transcript NM_130384.3 (MANE Select); coding-DNA position 61, G replaced by A.
Protein change: p.Gly21Ser; replaces glycine 21 with serine.
Molecular consequence: missense variant. On other transcripts: non-coding transcript variant (1), intron variant (1).
Genome position (GRCh38, 1-based): chr3:48,446,906, G>A. VCF-style: chr3-48446906-G-A. GRCh37 (hg19) VCF-style: chr3-48488310-G-A.
Other names: c.61G>A, p.Gly21Ser (NM_032166.4); c.-218+107G>A (NM_001271022.2); short protein forms G21S.
Identifiers: ClinVar variation 4182022 (VCV004182022.1).
Genomic context (GRCh38, chr3:48,446,906, plus strand): 5'-ATGGCGGGGACCTCCGCGCCAGGCAGCAAGAGGCGGAGCGAGCCCCCGGCGCCTCGCCCC[G>A]GCCCGCCGCCGGGCACCGGGCACCCCCCGAGCAAGCGGGCCCGGGGCTTCTCCGCAGCCG-3'
Protein context (NP_569055.1, residues 11-31): RRSEPPAPRP[Gly21Ser]PPPGTGHPPS

ClinVar aggregate classification (germline): Uncertain significance (1 of 4 stars; one submission).

gnomAD v4.1: 4 of 1,391,136 alleles (0.00029%); highest among the groups gnomAD compares: Admixed American, 0.0036%; no homozygotes.

Submission:

Ambry Genetics
Classification: Uncertain significance. Last evaluated: 2025-07-10. Review status: criteria provided, single submitter. Criteria: Ambry Variant Classification Scheme 2023. Collection method: clinical testing. Allele origin: germline.
Comment: The p.G21S variant (also known as c.61G>A), located in coding exon 1 of the ATRIP gene, results from a G to A substitution at nucleotide position 61. The glycine at codon 21 is replaced by serine, an amino acid with similar properties. This amino acid position is conserved. In addition, this alteration is predicted to be tolerated by in silico analysis. Based on the available evidence, the clinical significance of this variant remains unclear.